The following is an entry in ClinVar:

NM_000687.4(AHCY):c.110A>T (p.Glu37Val)

Gene: AHCY (adenosylhomocysteinase; minus strand). Cytogenetic location: 20q11.22.
Variant type: single nucleotide variant.
Coding change: c.110A>T on transcript NM_000687.4 (MANE Select); coding-DNA position 110, A replaced by T.
Protein change: p.Glu37Val; replaces glutamic acid 37 with valine.
Molecular consequence: missense variant.
Genome position (GRCh38, 1-based): chr20:34,295,504, T>A on the plus strand (A>T on the coding strand, the complement: AHCY is on the minus strand). VCF-style: chr20-34295504-T-A. GRCh37 (hg19) VCF-style: chr20-32883310-T-A.
Other names: c.26A>T, p.Glu9Val (NM_001161766.2, NM_001322084.2, NM_001322085.2); c.116A>T, p.Glu39Val (NM_001322086.2); c.110A>T, p.Glu37Val (NM_001362750.2); short protein forms E9V, E37V, E39V.
Identifiers: ClinVar variation 218522 (VCV000218522.7), dbSNP rs746513037, ClinGen allele CA249019.
Genomic context (GRCh38, chr20:34,295,504, plus strand): 5'-GTCATGTGCAGGCAGCCAGCGATGCGGGCGCCCTTCAGTGGCTTGGAGGCCGAGTACCGC[T>A]CCCGCATACGCATCAGGCCCGGCATCTCGTTCTCAGCAATGTCCAGGGCCTTGCGTCCCC-3'
Protein context (NP_000678.1, residues 27-47): NEMPGLMRMR[Glu37Val]RYSASKPLKG

ClinVar aggregate classification (germline): Uncertain significance. Review status: criteria provided, multiple submitters, no conflicts (2 of 4 stars). 2 submissions from 2 submitters: Uncertain significance (2). Last evaluated 2022-08-09.

Conditions:
Hypermethioninemia with deficiency of S-adenosylhomocysteine hydrolase. Identifiers: Orphanet 88618, MedGen C3151058, MONDO:0013404, OMIM 613752.

Allele frequency attached by ClinVar (database versions not stated): gnomAD 0.00001; TOPMed 0.00001; ExAC 0.00002; gnomAD exomes 0.00002 and 0.00004.
gnomAD v4.1: 55 of 1,613,878 alleles (0.0034%); highest among the groups gnomAD compares: Middle Eastern, 0.56%; no homozygotes.

Submissions (2):

Labcorp Genetics (formerly Invitae), Labcorp
Classification: Uncertain significance for Hypermethioninemia with deficiency of S-adenosylhomocysteine hydrolase. Last evaluated: 2022-08-09. Review status: criteria provided, single submitter. Criteria: Invitae Variant Classification Sherloc (09022015). Collection method: clinical testing. Allele origin: germline.
Comment: This sequence change replaces glutamic acid, which is acidic and polar, with valine, which is neutral and non-polar, at codon 37 of the AHCY protein (p.Glu37Val). This variant is present in population databases (rs746513037, gnomAD 0.003%). This variant has not been reported in the literature in individuals affected with AHCY-related conditions. ClinVar contains an entry for this variant (Variation ID: 218522). Algorithms developed to predict the effect of missense changes on protein structure and function are either unavailable or do not agree on the potential impact of this missense change (SIFT: "Not Available"; PolyPhen-2: "Benign"; Align-GVGD: "Not Available"). In summary, the available evidence is currently insufficient to determine the role of this variant in disease. Therefore, it has been classified as a Variant of Uncertain Significance.

Genomic Diagnostic Laboratory, Division of Genomic Diagnostics, Children's Hospital of Philadelphia
Classification: Uncertain significance. Last evaluated: 2015-03-06. Review status: criteria provided, single submitter. Criteria: DGD Variant Analysis Guidelines. Collection method: clinical testing. Allele origin: unknown.